The following is an entry in ClinVar:

ClinVar aggregate classification (germline): Uncertain significance (1 of 4 stars; one submission).

Submission:

Labcorp Genetics (formerly Invitae), Labcorp
Classification: Uncertain significance. Last evaluated: 2022-02-11. Review status: criteria provided, single submitter. Criteria: Invitae Variant Classification Sherloc (09022015). Collection method: clinical testing. Allele origin: germline.
Comment: In summary, the available evidence is currently insufficient to determine the role of this variant in disease. Therefore, it has been classified as a Variant of Uncertain Significance. Advanced modeling of protein sequence and biophysical properties (such as structural, functional, and spatial information, amino acid conservation, physicochemical variation, residue mobility, and thermodynamic stability) performed at Invitae indicates that this missense variant is not expected to disrupt COL4A5 protein function. This variant has not been reported in the literature in individuals affected with COL4A5-related conditions. This variant is not present in population databases (gnomAD no frequency). This sequence change replaces glutamine, which is neutral and polar, with lysine, which is basic and polar, at codon 645 of the COL4A5 protein (p.Gln645Lys).

NM_033380.3(COL4A5):c.1933C>A (p.Gln645Lys)

Gene: COL4A5 (collagen type IV alpha 5 chain; plus strand). Cytogenetic location: Xq22.3.
Variant type: single nucleotide variant.
Coding change: c.1933C>A on transcript NM_033380.3 (MANE Select); coding-DNA position 1933, C replaced by A.
Protein change: p.Gln645Lys; replaces glutamine 645 with lysine.
Molecular consequence: missense variant.
Genome position (GRCh38, 1-based): chrX:108,598,855, C>A. VCF-style: chrX-108598855-C-A. GRCh37 (hg19) VCF-style: chrX-107842085-C-A.
Other names: c.1933C>A, p.Gln645Lys (NM_000495.5); short protein forms Q645K.
Identifiers: ClinVar variation 1391780 (VCV001391780.8), dbSNP rs1603290796, ClinGen allele CA413845900.
Genomic context (GRCh38, chrX:108,598,855, plus strand): 5'-TTCGGCCCTCCAGGCCCAGTAGGTGAAAAAGGCATACAAGGTGTGGCAGGAAATCCAGGC[C>A]AGCCAGGAATACCAGGTAAGTTTACTGTGTTTTGTTTTAAACTTGGTGCTTAAAAACAGA-3'
Protein context (NP_203699.1, residues 635-655): GIQGVAGNPG[Gln645Lys]PGIPGPKGDP